The following is an entry in ClinVar:

NM_006379.5(SEMA3C):c.658+10C>T

Gene: SEMA3C (semaphorin 3C; minus strand). Cytogenetic location: 7q21.11.
Variant type: single nucleotide variant.
Coding change: c.658+10C>T on transcript NM_006379.5 (MANE Select); 10 bases into the intron after coding-DNA position 658, C replaced by T.
Molecular consequence: intron variant.
Genome position (GRCh38, 1-based): chr7:80,805,629, G>A on the plus strand (C>T on the coding strand, the complement: SEMA3C is on the minus strand). VCF-style: chr7-80805629-G-A. GRCh37 (hg19) VCF-style: chr7-80434945-G-A.
Other names: c.712+10C>T (NM_001350120.2); c.484+10C>T (NM_001350121.2).
Identifiers: ClinVar variation 5000800 (VCV005000800.1).

ClinVar aggregate classification (germline): Likely benign (1 of 4 stars; one submission).

Conditions:
SEMA3C-related disorder. Also called: SEMA3C-related condition.

gnomAD v4.1: 4 of 1,589,692 alleles (0.00025%); highest among the groups gnomAD compares: South Asian, 0.0012%; no homozygotes.

Submission:

PreventionGenetics, part of Exact Sciences
Classification: Likely benign for SEMA3C-related condition. Last evaluated: 2025-07-11. Review status: criteria provided, single submitter. Criteria: ACMG Guidelines, 2015. Collection method: clinical testing. Allele origin: germline.
Comment: This variant is classified as likely benign based on ACMG/AMP sequence variant interpretation guidelines (Richards et al. 2015 PMID: 25741868, with internal and published modifications).